The following is an entry in ClinVar:

ClinVar aggregate classification (germline): Uncertain significance (0 of 4 stars; one submission).

Conditions:
MACF1-related disorder. Also called: MACF1-related condition.

Submission:

PreventionGenetics, part of Exact Sciences
Classification: Uncertain significance for MACF1-related condition. Last evaluated: 2024-08-09. Review status: no assertion criteria provided. Collection method: clinical testing. Allele origin: germline.
Comment: The MACF1 c.8811G>C variant is predicted to result in the amino acid substitution p.Gln2937His. To our knowledge, this variant has not been reported in the literature or in a large population database, indicating this variant is rare. At this time, the clinical significance of this variant is uncertain due to the absence of conclusive functional and genetic evidence.

NM_001394062.1(MACF1):c.14997G>C (p.Gln4999His)

Genes: MACF1 (microtubule actin crosslinking factor 1; plus strand), LOC114803468 (MACF1 eExon liver enhancer; plus strand). Cytogenetic location: 1p34.3.
Variant type: single nucleotide variant.
Coding change: c.14997G>C on transcript NM_001394062.1 (MANE Select); coding-DNA position 14997, G replaced by C.
Protein change: p.Gln4999His; replaces glutamine 4999 with histidine.
Molecular consequence: missense variant.
Genome position (GRCh38, 1-based): chr1:39,387,839, G>C. VCF-style: chr1-39387839-G-C. GRCh37 (hg19) VCF-style: chr1-39853511-G-C.
Other names: c.8811G>C, p.Gln2937His (NM_012090.5); short protein forms Q2937H, Q4999H.
Identifiers: ClinVar variation 2636930 (VCV002636930.2), dbSNP rs2522641362, ClinGen allele CA339742797.